The following is an entry in ClinVar:

NM_025074.7(FRAS1):c.5374G>A (p.Ala1792Thr)

Gene: FRAS1 (Fraser extracellular matrix complex subunit 1; plus strand). Cytogenetic location: 4q21.21.
Variant type: single nucleotide variant.
Coding change: c.5374G>A on transcript NM_025074.7 (MANE Select); coding-DNA position 5374, G replaced by A.
Protein change: p.Ala1792Thr; replaces alanine 1792 with threonine.
Molecular consequence: missense variant.
Genome position (GRCh38, 1-based): chr4:78,438,909, G>A. VCF-style: chr4-78438909-G-A. GRCh37 (hg19) VCF-style: chr4-79360063-G-A.
Other names: c.5374G>A, p.Ala1792Thr (NM_001166133.2); short protein forms A1792T.
Identifiers: ClinVar variation 703087 (VCV000703087.26), dbSNP rs150916370, ClinGen allele CA2977502.

ClinVar aggregate classification (germline): Conflicting classifications of pathogenicity. Review status: criteria provided, conflicting classifications (1 of 4 stars). 8 submissions from 8 submitters: Uncertain significance (1); Benign (1); Likely benign (2). 4 of the submissions do not count toward it. Last evaluated 2026-08-01.

Conditions:
Fraser syndrome 1 (FRASRS1). Also called: CRYPTOPHTHALMOS WITH OTHER MALFORMATIONS. Identifiers: Orphanet 2052, MedGen C4551480, MONDO:0054737, OMIM 219000.
FRAS1-related disorder. Also called: FRAS1-related condition.

Allele frequency attached by ClinVar (database versions not stated): ESP Exome Variant Server 0.00100; ExAC 0.00151; 1000 Genomes Project 30x 0.00172; gnomAD exomes 0.00178 and 0.00224; gnomAD 0.00193 and 0.00194; TOPMed 0.00207; 1000 Genomes Project 0.00220.
gnomAD v4.1: 3,545 of 1,606,272 alleles (0.22%); highest among the groups gnomAD compares: Admixed American, 0.32%; 4 homozygotes.

Submissions (8):

CeGaT Center for Human Genetics Tuebingen
Classification: Benign. Last evaluated: 2026-08-01. Review status: criteria provided, single submitter. Criteria: CeGaT Center For Human Genetics Tuebingen Variant Classification Criteria Version 2. Collection method: clinical testing. Allele origin: germline. Affected: yes. Observed: 1 variant allele.
Comment: FRAS1: BP4, BS1, BS2

Labcorp Genetics (formerly Invitae), Labcorp
Classification: Likely benign. Last evaluated: 2026-01-25. Review status: criteria provided, single submitter. Criteria: Invitae Variant Classification Sherloc (09022015). Collection method: clinical testing. Allele origin: germline.

Blueprint Genetics
Classification: Likely benign. Last evaluated: 2024-11-26. Review status: criteria provided, single submitter. Criteria: ACMG Guidelines, 2015. Collection method: clinical testing. Allele origin: germline.

Illumina Laboratory Services, Illumina
Classification: Uncertain significance for Fraser syndrome 1. Last evaluated: 2018-01-12. Review status: criteria provided, single submitter. Criteria: ICSL Variant Classification Criteria 13 December 2019. Collection method: clinical testing. Allele origin: germline.

PreventionGenetics, part of Exact Sciences
Classification: Likely benign for FRAS1-related condition. Last evaluated: 2020-07-14. Review status: no assertion criteria provided. Collection method: clinical testing. Allele origin: germline. Not counted in ClinVar's aggregate classification.
Comment: This variant is classified as likely benign based on ACMG/AMP sequence variant interpretation guidelines (Richards et al. 2015 PMID: 25741868, with internal and published modifications).

Clinical Genetics DNA and cytogenetics Diagnostics Lab, Erasmus MC, Erasmus Medical Center
Classification: Likely benign. Review status: no assertion criteria provided. Collection method: clinical testing. Allele origin: germline. Affected: yes. Study: VKGL Data-share Consensus. Not counted in ClinVar's aggregate classification.

Department of Pathology and Laboratory Medicine, Sinai Health System
Classification: Uncertain significance. Review status: no assertion criteria provided. Collection method: clinical testing. Allele origin: unknown. Affected: yes. Study: The Canadian Open Genetics Repository (COGR). Not counted in ClinVar's aggregate classification.
Comment: The FRAS1 p.Ala1792Thr variant was not identified in the literature nor was it identified in ClinVar. The variant was identified in dbSNP (ID: rs150916370) and LOVD 3.0 (classified as likely benign). The variant was identified in control databases in 479 of 274282 chromosomes (0 homozygous) at a frequency of 0.001746 increasing the likelihood this could be a low frequency benign variant (Genome Aggregation Database March 6, 2019, v2.1.1). The variant was observed in the following populations: Latino in 99 of 33596 chromosomes (freq: 0.002947), Other in 19 of 7016 chromosomes (freq: 0.002708), European (non-Finnish) in 327 of 126910 chromosomes (freq: 0.002577), African in 20 of 24060 chromosomes (freq: 0.000831), Ashkenazi Jewish in 6 of 10170 chromosomes (freq: 0.00059) and European (Finnish) in 8 of 24706 chromosomes (freq: 0.000324), but was not observed in the East Asian or South Asian populations. The p.Ala1792 residue is conserved in mammals but not in more distantly related organisms however four out of five computational analyses (PolyPhen-2, SIFT, AlignGVGD, BLOSUM, MutationTaster) do not suggest a high likelihood of impact to the protein; this information is not predictive enough to rule out pathogenicity. The variant occurs outside of the splicing consensus sequence and in silico or computational prediction software programs (SpliceSiteFinder, MaxEntScan, NNSPLICE, GeneSplicer) do not predict a difference in splicing. In summary, based on the above information the clinical significance of this variant cannot be determined with certainty at this time. This variant is classified as a variant of uncertain significance.

Diagnostic Laboratory, Department of Genetics, University Medical Center Groningen
Classification: Likely benign. Review status: no assertion criteria provided. Collection method: clinical testing. Allele origin: germline. Affected: yes. Study: VKGL Data-share Consensus. Not counted in ClinVar's aggregate classification.